The following is an entry in ClinVar:

ClinVar aggregate classification (germline): Uncertain significance (1 of 4 stars; one submission).

Conditions:
Neuropathy, hereditary sensory and autonomic, type 2A (HSAN2A). Also called: ACROOSTEOLYSIS, GIACCAI TYPE; ACROOSTEOLYSIS, NEUROGENIC; WNK1-Related HSAN2 (HSAN2A); MORVAN DISEASE; NEUROPATHY, CONGENITAL SENSORY; NEUROPATHY, HEREDITARY SENSORY RADICULAR, AUTOSOMAL RECESSIVE. Identifiers: Orphanet 970, MedGen C2752089, MONDO:0024309, OMIM 201300.
Generalized epilepsy with febrile seizures plus, type 7 (GEFSP7). Also called: GEFS+, TYPE 7. Identifiers: Orphanet 36387, MedGen C2751778, MONDO:0013470, OMIM 613863.

Allele frequency attached by ClinVar (database versions not stated): gnomAD 0.00001; ExAC 0.00002; 1000 Genomes Project 30x 0.00016; 1000 Genomes Project 0.00020.
gnomAD v4.1: 3 of 1,613,208 alleles (0.00019%); highest among the groups gnomAD compares: East Asian, 0.0022%; no homozygotes.

Submission:

Labcorp Genetics (formerly Invitae), Labcorp
Classification: Uncertain significance for Neuropathy, hereditary sensory and autonomic, type 2A; Generalized epilepsy with febrile seizures plus, type 7. Last evaluated: 2023-04-15. Review status: criteria provided, single submitter. Criteria: Invitae Variant Classification Sherloc (09022015). Collection method: clinical testing. Allele origin: germline.
Comment: This sequence change replaces glutamine, which is neutral and polar, with lysine, which is basic and polar, at codon 676 of the SCN9A protein (p.Gln676Lys). This variant is present in population databases (rs139501019, gnomAD 0.006%). This variant has not been reported in the literature in individuals affected with SCN9A-related conditions. Advanced modeling of protein sequence and biophysical properties (such as structural, functional, and spatial information, amino acid conservation, physicochemical variation, residue mobility, and thermodynamic stability) performed at Invitae indicates that this missense variant is not expected to disrupt SCN9A protein function. In summary, the available evidence is currently insufficient to determine the role of this variant in disease. Therefore, it has been classified as a Variant of Uncertain Significance.

NM_001365536.1(SCN9A):c.2059C>A (p.Gln687Lys)

Genes: SCN1A-AS1 (SCN1A and SCN9A antisense RNA 1; plus strand), SCN9A (sodium voltage-gated channel alpha subunit 9; minus strand). Cytogenetic location: 2q24.3.
Variant type: single nucleotide variant.
Coding change: c.2059C>A on transcript NM_001365536.1 (MANE Select); coding-DNA position 2059, C replaced by A.
Protein change: p.Gln687Lys; replaces glutamine 687 with lysine.
Molecular consequence: missense variant.
Genome position (GRCh38, 1-based): chr2:166,281,724, G>T on the plus strand (C>A on the coding strand, the complement: SCN9A is on the minus strand). VCF-style: chr2-166281724-G-T. GRCh37 (hg19) VCF-style: chr2-167138234-G-T.
Other names: c.2026C>A, p.Gln676Lys (NM_002977.4); short protein forms Q676K, Q687K.
Identifiers: ClinVar variation 2933405 (VCV002933405.3), dbSNP rs139501019, ClinGen allele CA1944350.
Genomic context (GRCh38, chr2:166,281,724, plus strand): 5'-AAGATTATTACATACCTTCCACAGTGTTTGTTAATATGCTTGCTCTACTCATTGCTCTCT[G>T]TCTGAGGTTGGGATCATTCAGCATATCCTCTGAAAGGAGATAGGAACTACAACGCCTTTT-3'
Protein context (NP_001352465.1, residues 677-697): EDMLNDPNLR[Gln687Lys]RAMSRASILT